The following is an entry in ClinVar:

NM_015261.3(NCAPD3):c.3837T>C (p.Ala1279=)

Gene: NCAPD3 (non-SMC condensin II complex subunit D3; minus strand). Cytogenetic location: 11q25.
Variant type: single nucleotide variant.
Coding change: c.3837T>C on transcript NM_015261.3 (MANE Select); coding-DNA position 3837, T replaced by C.
Protein change: p.Ala1279=; no amino-acid change (alanine 1279 retained).
Molecular consequence: synonymous variant.
Genome position (GRCh38, 1-based): chr11:134,159,922, A>G on the plus strand (T>C on the coding strand, the complement: NCAPD3 is on the minus strand). VCF-style: chr11-134159922-A-G. GRCh37 (hg19) VCF-style: chr11-134029817-A-G.
Other names: c.3837T>C, p.Ala1279= (NM_001372065.1, NM_001372068.1); c.3423T>C, p.Ala1141= (NM_001372069.1, NM_001372070.1).
Identifiers: ClinVar variation 775303 (VCV000775303.7), dbSNP rs34720493, ClinGen allele CA6370684.

ClinVar aggregate classification (germline): Benign. Review status: criteria provided, multiple submitters, no conflicts (2 of 4 stars). 3 submissions from 3 submitters: Benign (2). 1 of the submissions does not count toward it. Last evaluated 2019-12-31.

Conditions:
NCAPD3-related disorder. Also called: NCAPD3-related condition.

Allele frequency attached by ClinVar (database versions not stated): gnomAD exomes 0.00092 and 0.00216; ExAC 0.00287; 1000 Genomes Project 30x 0.00812; 1000 Genomes Project 0.00839; ESP Exome Variant Server 0.00846; gnomAD 0.00859 and 0.00936; TOPMed 0.00989.
gnomAD v4.1: 2,741 of 1,613,596 alleles (0.17%); highest among the groups gnomAD compares: African/African-American, 3.1%; 42 homozygotes.

Submissions (3):

Labcorp Genetics (formerly Invitae), Labcorp
Classification: Benign. Last evaluated: 2019-12-31. Review status: criteria provided, single submitter. Criteria: Invitae Variant Classification Sherloc (09022015). Collection method: clinical testing. Allele origin: germline.

Breakthrough Genomics
Classification: Benign. Review status: criteria provided, single submitter. Criteria: ACMG Guidelines, 2015. Collection method: not provided. Allele origin: germline. Inheritance: Autosomal recessive inheritance. Affected: yes.

PreventionGenetics, part of Exact Sciences
Classification: Benign for NCAPD3-related condition. Last evaluated: 2019-02-22. Review status: no assertion criteria provided. Collection method: clinical testing. Allele origin: germline. Not counted in ClinVar's aggregate classification.
Comment: This variant is classified as benign based on ACMG/AMP sequence variant interpretation guidelines (Richards et al. 2015 PMID: 25741868, with internal and published modifications).